The following is an entry in ClinVar:

NM_001135022.2(ELMOD3):c.461A>C (p.Asp154Ala)

Gene: ELMOD3 (ELMO domain containing 3; plus strand). Cytogenetic location: 2p11.2.
Variant type: single nucleotide variant.
Coding change: c.461A>C on transcript NM_001135022.2 (MANE Select); coding-DNA position 461, A replaced by C.
Protein change: p.Asp154Ala; replaces aspartic acid 154 with alanine.
Molecular consequence: missense variant. On other transcripts: non-coding transcript variant (3).
Genome position (GRCh38, 1-based): chr2:85,371,186, A>C. VCF-style: chr2-85371186-A-C. GRCh37 (hg19) VCF-style: chr2-85598309-A-C.
Other names: c.461A>C, p.Asp154Ala (NM_001135021.2, NM_001135023.2, NM_001329791.2 and 3 more transcripts); short protein forms D154A.
Identifiers: ClinVar variation 2896249 (VCV002896249.3), dbSNP rs369816241, ClinGen allele CA1740342.
Genomic context (GRCh38, chr2:85,371,186, plus strand): 5'-CCCTCCGACACTACCTCTTCGGGCCTCCAAAGCTCCACCAGCGCCTTCGGGAAGAAAGGG[A>C]CTTGGTCCTGACCATTGCTCAGTGTGAGTGCAATGCGAGCCCACAGGGCAGTTGCTGCAT-3'
Protein context (NP_001128494.1, residues 144-164): KLHQRLREER[Asp154Ala]LVLTIAQCGL

ClinVar aggregate classification (germline): Uncertain significance (1 of 4 stars; one submission).

Allele frequency attached by ClinVar (database versions not stated): ExAC 0.00002; gnomAD 0.00005; TOPMed 0.00008; ESP Exome Variant Server 0.00015.
gnomAD v4.1: 62 of 1,614,110 alleles (0.0038%); highest among the groups gnomAD compares: Non-Finnish European, 0.0047%; no homozygotes.

Submission:

Labcorp Genetics (formerly Invitae), Labcorp
Classification: Uncertain significance. Last evaluated: 2023-11-19. Review status: criteria provided, single submitter. Criteria: Invitae Variant Classification Sherloc (09022015). Collection method: clinical testing. Allele origin: germline.
Comment: This sequence change replaces aspartic acid, which is acidic and polar, with alanine, which is neutral and non-polar, at codon 154 of the ELMOD3 protein (p.Asp154Ala). This variant is present in population databases (rs369816241, gnomAD 0.004%). This variant has not been reported in the literature in individuals affected with ELMOD3-related conditions. Advanced modeling of protein sequence and biophysical properties (such as structural, functional, and spatial information, amino acid conservation, physicochemical variation, residue mobility, and thermodynamic stability) performed at Invitae indicates that this missense variant is not expected to disrupt ELMOD3 protein function with a negative predictive value of 80%. In summary, the available evidence is currently insufficient to determine the role of this variant in disease. Therefore, it has been classified as a Variant of Uncertain Significance.